The following is an entry in ClinVar:

ClinVar aggregate classification (germline): Conflicting classifications of pathogenicity. Review status: criteria provided, conflicting classifications (1 of 4 stars). 2 submissions from 1 submitter: Uncertain significance (1); Likely benign (1). Last evaluated 2018-01-13.

Conditions:
Jervell and Lange-Nielsen syndrome 2 (JLNS2). Identifiers: Orphanet 768, Orphanet 90647, MedGen C2676723, MONDO:0012871, OMIM 612347.
Long QT syndrome 5 (LQT5). Identifiers: Orphanet 101016, Orphanet 768, MedGen C1867904, MONDO:0013372, OMIM 613695.

Allele frequency attached by ClinVar (database versions not stated): 1000 Genomes Project 0.00200; gnomAD 0.00201.

Submissions (2):

Illumina Laboratory Services, Illumina
Classification: Likely benign for Long QT syndrome 5. Last evaluated: 2018-01-13. Review status: criteria provided, single submitter. Criteria: ICSL Variant Classification Criteria 13 December 2019. Collection method: clinical testing. Allele origin: germline.
Comment: This variant was observed in the ICSL laboratory as part of a predisposition screen in an ostensibly healthy population. It had not been previously curated by ICSL or reported in the Human Gene Mutation Database (HGMD: prior to June 1st, 2018), and was therefore a candidate for classification through an automated scoring system. Utilizing variant allele frequency, disease prevalence and penetrance estimates, and inheritance mode, an automated score was calculated to assess if this variant is too frequent to cause the disease. Based on the score and internal cut-off values, a variant classified as likely benign is not then subjected to further curation. The score for this variant resulted in a classification of likely benign for this disease.

Illumina Laboratory Services, Illumina
Classification: Uncertain significance for Jervell and Lange-Nielsen syndrome 2. Last evaluated: 2018-01-13. Review status: criteria provided, single submitter. Criteria: ICSL Variant Classification Criteria 13 December 2019. Collection method: clinical testing. Allele origin: germline.

NM_000219.6(KCNE1):c.*1338C>T

Gene: KCNE1 (potassium voltage-gated channel subfamily E regulatory subunit 1; minus strand). Cytogenetic location: 21q22.12.
Variant type: single nucleotide variant.
Coding change: c.*1338C>T on transcript NM_000219.6 (MANE Select); 1338 bases downstream of the stop codon, C replaced by T.
Molecular consequence: 3 prime UTR variant.
Genome position (GRCh38, 1-based): chr21:34,447,907, G>A on the plus strand (C>T on the coding strand, the complement: KCNE1 is on the minus strand). VCF-style: chr21-34447907-G-A. GRCh37 (hg19) VCF-style: chr21-35820205-G-A.
Other names: c.*1338C>T (NM_001127668.4, NM_001127669.4, NM_001127670.4 and 4 more transcripts).
Identifiers: ClinVar variation 339748 (VCV000339748.6), dbSNP rs74508995, ClinGen allele CA10644570.